The following is an entry in ClinVar:

NM_001211.6(BUB1B):c.781C>G (p.Pro261Ala)

Gene: BUB1B (BUB1 mitotic checkpoint serine/threonine kinase B; plus strand). Cytogenetic location: 15q15.1.
Variant type: single nucleotide variant.
Coding change: c.781C>G on transcript NM_001211.6 (MANE Select); coding-DNA position 781, C replaced by G.
Protein change: p.Pro261Ala; replaces proline 261 with alanine.
Molecular consequence: missense variant.
Genome position (GRCh38, 1-based): chr15:40,185,194, C>G. VCF-style: chr15-40185194-C-G. GRCh37 (hg19) VCF-style: chr15-40477395-C-G.
Other names: short protein forms P261A.
Identifiers: ClinVar variation 4600026 (VCV004600026.1).

ClinVar aggregate classification (germline): Uncertain significance (1 of 4 stars; one submission).

Conditions:
Inborn genetic diseases. Identifiers: MedGen C0950123, MeSH D030342.

Submission:

Ambry Genetics
Classification: Uncertain significance for Inborn genetic diseases. Last evaluated: 2025-11-11. Review status: criteria provided, single submitter. Criteria: Ambry Variant Classification Scheme 2023. Collection method: clinical testing. Allele origin: germline.
Comment: The p.P261A variant (also known as c.781C>G), located in coding exon 7 of the BUB1B gene, results from a C to G substitution at nucleotide position 781. The proline at codon 261 is replaced by alanine, an amino acid with highly similar properties. This amino acid position is conserved. In addition, this alteration is predicted to be tolerated by in silico analysis. Based on the available evidence, the clinical significance of this variant remains unclear.